The following is an entry in ClinVar:

NM_014727.3(KMT2B):c.1986C>T (p.Tyr662=)

Gene: KMT2B (lysine methyltransferase 2B; plus strand). Cytogenetic location: 19q13.12.
Variant type: single nucleotide variant.
Coding change: c.1986C>T on transcript NM_014727.3 (MANE Select); coding-DNA position 1986, C replaced by T.
Protein change: p.Tyr662=; no amino-acid change (tyrosine 662 retained).
Molecular consequence: synonymous variant.
Genome position (GRCh38, 1-based): chr19:35,721,333, C>T. VCF-style: chr19-35721333-C-T. GRCh37 (hg19) VCF-style: chr19-36212235-C-T.
Identifiers: ClinVar variation 1564249 (VCV001564249.24), dbSNP rs764916893, ClinGen allele CA9384325.

ClinVar aggregate classification (germline): Likely benign. Review status: criteria provided, multiple submitters, no conflicts (2 of 4 stars). 2 submissions from 2 submitters: Likely benign (2). Last evaluated 2025-12-23.

Allele frequency attached by ClinVar (database versions not stated): ExAC 0.00005; gnomAD 0.00007 and 0.00009; gnomAD exomes 0.00010 and 0.00017; TOPMed 0.00011.
gnomAD v4.1: 152 of 1,564,010 alleles (0.0097%); highest among the groups gnomAD compares: Admixed American, 0.021%; no homozygotes.

Submissions (2):

Labcorp Genetics (formerly Invitae), Labcorp
Classification: Likely benign. Last evaluated: 2025-12-23. Review status: criteria provided, single submitter. Criteria: Invitae Variant Classification Sherloc (09022015). Collection method: clinical testing. Allele origin: germline.

CeGaT Center for Human Genetics Tuebingen
Classification: Likely benign. Last evaluated: 2024-08-01. Review status: criteria provided, single submitter. Criteria: CeGaT Center For Human Genetics Tuebingen Variant Classification Criteria Version 2. Collection method: clinical testing. Allele origin: germline. Affected: yes. Observed: 1 variant allele.
Comment: KMT2B: BP4, BP7